The following is an entry in ClinVar:

ClinVar aggregate classification (germline): Uncertain significance (1 of 4 stars; one submission).

Conditions:
Cardiovascular phenotype. Identifiers: MedGen CN230736.

Allele frequency attached by ClinVar (database versions not stated): TOPMed below 0.00001.

Submission:

Ambry Genetics
Classification: Uncertain significance for Cardiovascular phenotype. Last evaluated: 2023-07-15. Review status: criteria provided, single submitter. Criteria: Ambry Variant Classification Scheme 2023. Collection method: clinical testing. Allele origin: germline.
Comment: The p.M173T variant (also known as c.518T>C), located in coding exon 5 of the GPD1L gene, results from a T to C substitution at nucleotide position 518. The methionine at codon 173 is replaced by threonine, an amino acid with similar properties. This amino acid position is poorly conserved in available vertebrate species. In addition, this alteration is predicted to be tolerated by in silico analysis. Since supporting evidence is limited at this time, the clinical significance of this alteration remains unclear.

NM_015141.4(GPD1L):c.518T>C (p.Met173Thr)

Gene: GPD1L (glycerol-3-phosphate dehydrogenase 1 like; plus strand). Cytogenetic location: 3p22.3.
Variant type: single nucleotide variant.
Coding change: c.518T>C on transcript NM_015141.4 (MANE Select); coding-DNA position 518, T replaced by C.
Protein change: p.Met173Thr; replaces methionine 173 with threonine.
Molecular consequence: missense variant.
Genome position (GRCh38, 1-based): chr3:32,146,634, T>C. VCF-style: chr3-32146634-T-C. GRCh37 (hg19) VCF-style: chr3-32188126-T-C.
Other names: short protein forms M173T.
Identifiers: ClinVar variation 1745908 (VCV001745908.3), dbSNP rs886058332, ClinGen allele CA10618068.